The following is an entry in ClinVar:

NM_000719.7(CACNA1C):c.5444+704_5444+705delinsAA

Genes: CACNA1C (calcium voltage-gated channel subunit alpha1 C; plus strand), CACNA1C-AS1 (CACNA1C antisense RNA 1; minus strand). Cytogenetic location: 12p13.33.
Variant type: Indel.
Coding change: c.5444+704_5444+705delinsAA on transcript NM_000719.7 (MANE Select); bases 704 to 705 of the intron after coding-DNA position 5444, GC replaced by AA.
Molecular consequence: intron variant. On other transcripts: missense variant (1).
Genome position (GRCh38, 1-based): chr12:2,680,500-2,680,501, GC replaced by AA. VCF-style: chr12-2680500-GC-AA. GRCh37 (hg19) VCF-style: chr12-2789666-GC-AA.
Other names: c.5549_5550delinsAA, p.Gly1850Glu (NM_001167625.2); c.5444+704_5444+705delinsAA (NM_001167624.3, NM_001167623.2, NM_001129840.2 and 4 more transcripts); c.5588+704_5588+705delinsAA (NM_199460.4, NM_001129827.2); c.5504+704_5504+705delinsAA (NM_001129832.2); c.5528+704_5528+705delinsAA (NM_001129831.2); c.5501+704_5501+705delinsAA (NM_001129833.2, NM_001129834.2, NM_001129835.2); c.5567+704_5567+705delinsAA (NM_001129829.2); c.5468+704_5468+705delinsAA (NM_001129837.2, NM_001129838.2); and 4 more; short protein forms G1850E.
Identifiers: ClinVar variation 4278780 (VCV004278780.1).

ClinVar aggregate classification (germline): Uncertain significance (1 of 4 stars; one submission).

Submission:

GeneDx
Classification: Uncertain significance. Last evaluated: 2025-04-01. Review status: criteria provided, single submitter. Criteria: GeneDx Variant Classification Process June 2021. Collection method: clinical testing. Allele origin: germline. Affected: yes.
Comment: Has not been previously published as pathogenic or benign to our knowledge; Not observed at significant frequency in large population cohorts (gnomAD); Reported using an alternate transcript of the gene